The following is an entry in ClinVar:

NM_001348800.3(ZBTB20):c.1070C>T (p.Thr357Met)

Gene: ZBTB20 (zinc finger and BTB domain containing 20; minus strand). Cytogenetic location: 3q13.31.
Variant type: single nucleotide variant.
Coding change: c.1070C>T on transcript NM_001348800.3 (MANE Select); coding-DNA position 1070, C replaced by T.
Protein change: p.Thr357Met; replaces threonine 357 with methionine.
Molecular consequence: missense variant.
Genome position (GRCh38, 1-based): chr3:114,351,008, G>A on the plus strand (C>T on the coding strand, the complement: ZBTB20 is on the minus strand). VCF-style: chr3-114351008-G-A. GRCh37 (hg19) VCF-style: chr3-114069855-G-A.
Other names: c.1070C>T, p.Thr357Met (NM_001164342.2, NM_001348803.3, NM_001393393.1 and 1 more transcripts); c.851C>T, p.Thr284Met (NM_001164343.2, NM_001164344.4, NM_001164345.4 and 9 more transcripts); short protein forms T284M, T357M.
Identifiers: ClinVar variation 4799618 (VCV004799618.1).

ClinVar aggregate classification (germline): Uncertain significance (1 of 4 stars; one submission).

gnomAD v4.1: 6 of 1,610,706 alleles (0.00037%); highest among the groups gnomAD compares: Admixed American, 0.0033%; no homozygotes.

Submission:

Labcorp Genetics (formerly Invitae), Labcorp
Classification: Uncertain significance. Last evaluated: 2025-03-05. Review status: criteria provided, single submitter. Criteria: Invitae Variant Classification Sherloc (09022015). Collection method: clinical testing. Allele origin: germline.
Comment: This sequence change replaces threonine, which is neutral and polar, with methionine, which is neutral and non-polar, at codon 357 of the ZBTB20 protein (p.Thr357Met). The frequency data for this variant in the population databases is considered unreliable, as metrics indicate poor data quality at this position in the gnomAD database. This variant has not been reported in the literature in individuals affected with ZBTB20-related conditions. Invitae Evidence Modeling of protein sequence and biophysical properties (such as structural, functional, and spatial information, amino acid conservation, physicochemical variation, residue mobility, and thermodynamic stability) indicates that this missense variant is not expected to disrupt ZBTB20 protein function with a negative predictive value of 95%. In summary, the available evidence is currently insufficient to determine the role of this variant in disease. Therefore, it has been classified as a Variant of Uncertain Significance.